The following is an entry in ClinVar:

NM_018975.4(TERF2IP):c.1021G>C (p.Gly341Arg)

Gene: TERF2IP (TERF2 interacting protein; plus strand). Cytogenetic location: 16q23.1.
Variant type: single nucleotide variant.
Coding change: c.1021G>C on transcript NM_018975.4 (MANE Select); coding-DNA position 1021, G replaced by C.
Protein change: p.Gly341Arg; replaces glycine 341 with arginine.
Molecular consequence: missense variant. On other transcripts: non-coding transcript variant (1).
Genome position (GRCh38, 1-based): chr16:75,656,432, G>C. VCF-style: chr16-75656432-G-C. GRCh37 (hg19) VCF-style: chr16-75690330-G-C.
Other names: short protein forms G341R.
Identifiers: ClinVar variation 1761723 (VCV001761723.3), dbSNP rs2082386827, ClinGen allele CA396820100.

ClinVar aggregate classification (germline): Uncertain significance (1 of 4 stars; one submission).

Allele frequency attached by ClinVar (database versions not stated): gnomAD exomes below 0.00001.
gnomAD v4.1: 2 of 1,614,192 alleles (0.00012%); highest among the groups gnomAD compares: Non-Finnish European, 0.00017%; no homozygotes.

Submission:

Ambry Genetics
Classification: Uncertain significance. Last evaluated: 2023-09-01. Review status: criteria provided, single submitter. Criteria: Ambry Variant Classification Scheme 2023. Collection method: clinical testing. Allele origin: germline.
Comment: The p.G341R variant (also known as c.1021G>C), located in coding exon 3 of the TERF2IP gene, results from a G to C substitution at nucleotide position 1021. The glycine at codon 341 is replaced by arginine, an amino acid with dissimilar properties. This amino acid position is conserved. In addition, the in silico prediction for this alteration is inconclusive. Since supporting evidence is limited at this time, the clinical significance of this alteration remains unclear.